The following is an entry in ClinVar:

NM_001101.5(ACTB):c.180C>T (p.Ser60=)

Gene: ACTB (actin beta; minus strand). Cytogenetic location: 7p22.1.
Variant type: single nucleotide variant.
Coding change: c.180C>T on transcript NM_001101.5 (MANE Select); coding-DNA position 180, C replaced by T.
Protein change: p.Ser60=; no amino-acid change (serine 60 retained).
Molecular consequence: synonymous variant.
Genome position (GRCh38, 1-based): chr7:5,529,344, G>A on the plus strand (C>T on the coding strand, the complement: ACTB is on the minus strand). VCF-style: chr7-5529344-G-A. GRCh37 (hg19) VCF-style: chr7-5568975-G-A.
Other names: c.180C>T (LRG_132t1).
Identifiers: ClinVar variation 645776 (VCV000645776.10), dbSNP rs147566416, ClinGen allele CA4147129.

ClinVar aggregate classification (germline): Conflicting classifications of pathogenicity. Review status: criteria provided, conflicting classifications (1 of 4 stars). 3 submissions from 3 submitters: Uncertain significance (1); Likely benign (2). Last evaluated 2026-02-01.

Conditions:
Developmental malformations-deafness-dystonia syndrome (DDS1). Identifiers: Orphanet 79107, MedGen C5848323, MONDO:0011823, OMIM 607371.
Baraitser-Winter syndrome 1 (BRWS1). Also called: BARAITSER-WINTER SYNDROME 1, ATYPICAL; PACHYGYRIA, MENTAL RETARDATION, EPILEPSY, AND CHARACTERISTIC FACIES; MENTAL RETARDATION WITH EPILEPSY AND CHARACTERISTIC FACIES; Cerebrofrontofacial syndrome. Identifiers: Orphanet 2649, Orphanet 2995, MedGen C1855722, MONDO:0009470, OMIM 243310.
ACTB-related disorder. Also called: ACTB-related disorders; ACTB-related condition.

Allele frequency attached by ClinVar (database versions not stated): ExAC 0.00003; gnomAD 0.00004 and 0.00003; gnomAD exomes 0.00005 and 0.00021; ESP Exome Variant Server 0.00008; TOPMed 0.00003.
gnomAD v4.1: 301 of 1,613,972 alleles (0.019%); highest among the groups gnomAD compares: Non-Finnish European, 0.025%; no homozygotes.

Submissions (3):

Labcorp Genetics (formerly Invitae), Labcorp
Classification: Likely benign for Baraitser-Winter syndrome 1. Last evaluated: 2026-02-01. Review status: criteria provided, single submitter. Criteria: Invitae Variant Classification Sherloc (09022015). Collection method: clinical testing. Allele origin: germline.

PreventionGenetics, part of Exact Sciences
Classification: Likely benign for ACTB-related condition. Last evaluated: 2024-11-12. Review status: criteria provided, single submitter. Criteria: ACMG Guidelines, 2015. Collection method: clinical testing. Allele origin: germline.
Comment: This variant is classified as likely benign based on ACMG/AMP sequence variant interpretation guidelines (Richards et al. 2015 PMID: 25741868, with internal and published modifications).

Fulgent Genetics
Classification: Uncertain significance for Baraitser-Winter syndrome 1; Developmental malformations-deafness-dystonia syndrome. Last evaluated: 2021-09-08. Review status: criteria provided, single submitter. Criteria: ACMG Guidelines, 2015. Collection method: clinical testing. Allele origin: unknown.